The following is an entry in ClinVar:

ClinVar aggregate classification (germline): Uncertain significance (1 of 4 stars; one submission).

Submission:

Labcorp Genetics (formerly Invitae), Labcorp
Classification: Uncertain significance. Last evaluated: 2024-08-06. Review status: criteria provided, single submitter. Criteria: Invitae Variant Classification Sherloc (09022015). Collection method: clinical testing. Allele origin: germline.
Comment: This variant, c.2572_2574del, results in the deletion of 1 amino acid(s) of the AP3D1 protein (p.Lys858del), but otherwise preserves the integrity of the reading frame. The frequency data for this variant in the population databases is considered unreliable, as metrics indicate poor data quality at this position in the gnomAD database. This variant has not been reported in the literature in individuals affected with AP3D1-related conditions. Experimental studies and prediction algorithms are not available or were not evaluated, and the functional significance of this variant is currently unknown. In summary, the available evidence is currently insufficient to determine the role of this variant in disease. Therefore, it has been classified as a Variant of Uncertain Significance.

NM_001261826.3(AP3D1):c.2572_2574del (p.Lys858del)

Gene: AP3D1 (adaptor related protein complex 3 subunit delta 1; minus strand). Cytogenetic location: 19p13.3.
Variant type: Deletion.
Coding change: c.2572_2574del on transcript NM_001261826.3 (MANE Select); coding-DNA positions 2572 to 2574, 3 bases deleted (AAG; older notation c.2572_2574delAAG).
Protein change: p.Lys858del; deletes lysine 858.
Genome position (GRCh38, 1-based): chr19:2,114,152-2,114,154, CTT deleted on the plus strand (AAG on the coding strand, the reverse complement: AP3D1 is on the minus strand). VCF-style (leftmost placement, unchanged base first): chr19-2114151-CCTT-C. GRCh37 (hg19) VCF-style: chr19-2114150-CCTT-C.
Other names: c.2572_2574del, p.Lys858del (NM_001374799.1, NM_003938.8); short protein forms K858del.
Identifiers: ClinVar variation 3710807 (VCV003710807.2).